The following is an entry in ClinVar:

ClinVar aggregate classification (germline): Conflicting classifications of pathogenicity. Review status: criteria provided, conflicting classifications (1 of 4 stars). 3 submissions from 3 submitters: Likely pathogenic (1); Uncertain significance (1). 1 of the submissions does not count toward it. Last evaluated 2025-12-27.

Conditions:
Multiple endocrine neoplasia, type 1 (MEN1). Also called: MEA I; Endocrine adenomatosis multiple; MEN 1; MEN I; WERMER SYNDROME. Identifiers: Orphanet 652, MedGen C0025267, MeSH D018761, MONDO:0007540, OMIM 131100.

Submissions (3):

Labcorp Genetics (formerly Invitae), Labcorp
Classification: Likely pathogenic for Multiple endocrine neoplasia, type 1. Last evaluated: 2025-12-27. Review status: criteria provided, single submitter. Criteria: Invitae Variant Classification Sherloc (09022015). Collection method: clinical testing. Allele origin: germline.
Comment: This sequence change replaces glutamic acid, which is acidic and polar, with lysine, which is basic and polar, at codon 255 of the MEN1 protein (p.Glu255Lys). This variant is not present in population databases (gnomAD no frequency). This missense change has been observed in individual(s) with familial isolated hyperparathyroidism (PMID: 9792884). ClinVar contains an entry for this variant (Variation ID: 16696). Invitae Evidence Modeling of protein sequence and biophysical properties (such as structural, functional, and spatial information, amino acid conservation, physicochemical variation, residue mobility, and thermodynamic stability) indicates that this missense variant is expected to disrupt MEN1 protein function with a positive predictive value of 95%. Experimental studies are conflicting or provide insufficient evidence to determine the effect of this variant on MEN1 function (PMID: 15254225, 21819486, 22090276, 35941657). This variant disrupts the p.Glu255 amino acid residue in MEN1. Other variant(s) that disrupt this residue have been determined to be pathogenic (internal data). This suggests that this residue is clinically significant, and that variants that disrupt this residue are likely to be disease-causing. In summary, the currently available evidence indicates that the variant is pathogenic, but additional data are needed to prove that conclusively. Therefore, this variant has been classified as Likely Pathogenic.

GeneDx
Classification: Uncertain significance. Last evaluated: 2019-07-10. Review status: criteria provided, single submitter. Criteria: GeneDx Variant Classification Process June 2021. Collection method: clinical testing. Allele origin: germline. Affected: yes.
Comment: Not observed in large population cohorts (Lek 2016); In silico analysis, which includes protein predictors and evolutionary conservation, supports a deleterious effect; Published functional studies are conflicting (Yaguchi 2004, Shimazu 2011, Canaff 2012); Identified in a family with isolated primary hyperparathyroidism (Teh 1998); This variant is associated with the following publications: (PMID: 10664521, 21819486, 22090276, 15254225, 10634381, 9792884, 19068082, 12699448, 11303512, 28881068, 12016470, 31681433)

OMIM
Classification: Pathogenic for HYPERPARATHYROIDISM, FAMILIAL ISOLATED PRIMARY, MEN1 VARIANT. Last evaluated: 1998-11-01. Review status: no assertion criteria provided. Collection method: literature only. Allele origin: germline. Not counted in ClinVar's aggregate classification.

Literature cited by the submitters: PubMed 9792884 (cited by Labcorp Genetics (formerly Invitae), Labcorp and OMIM); PubMed 15254225 (cited by Labcorp Genetics (formerly Invitae), Labcorp); PubMed 21819486 (cited by Labcorp Genetics (formerly Invitae), Labcorp); PubMed 22090276 (cited by Labcorp Genetics (formerly Invitae), Labcorp); PubMed 35941657 (cited by Labcorp Genetics (formerly Invitae), Labcorp).

NM_001370259.2(MEN1):c.763G>A (p.Glu255Lys)

Gene: MEN1 (menin 1; minus strand). Cytogenetic location: 11q13.1.
Variant type: single nucleotide variant.
Coding change: c.763G>A on transcript NM_001370259.2 (MANE Select); coding-DNA position 763, G replaced by A.
Protein change: p.Glu255Lys; replaces glutamic acid 255 with lysine.
Molecular consequence: missense variant.
Genome position (GRCh38, 1-based): chr11:64,807,572, C>T on the plus strand (G>A on the coding strand, the complement: MEN1 is on the minus strand). VCF-style: chr11-64807572-C-T. GRCh37 (hg19) VCF-style: chr11-64575044-C-T.
Other names: c.778G>A, p.Glu260Lys (NM_000244.4, NM_130800.3, NM_130801.3 and 3 more transcripts); c.763G>A, p.Glu255Lys (NM_001370251.2, NM_001370260.2, NM_001370261.2 and 1 more transcripts); c.658G>A, p.Glu220Lys (NM_001370262.2, NM_001370263.2); short protein forms E255K, E260K, E220K.
Identifiers: ClinVar variation 16696 (VCV000016696.7), dbSNP rs104894268, ClinGen allele CA009605.